The following is an entry in ClinVar:

NM_005896.4(IDH1):c.331G>A (p.Ala111Thr)

Gene: IDH1 (isocitrate dehydrogenase (NADP(+)) 1; minus strand). Cytogenetic location: 2q34.
Variant type: single nucleotide variant.
Coding change: c.331G>A on transcript NM_005896.4 (MANE Select); coding-DNA position 331, G replaced by A.
Protein change: p.Ala111Thr; replaces alanine 111 with threonine.
Molecular consequence: missense variant.
Genome position (GRCh38, 1-based): chr2:208,248,452, C>T on the plus strand (G>A on the coding strand, the complement: IDH1 is on the minus strand). VCF-style: chr2-208248452-C-T. GRCh37 (hg19) VCF-style: chr2-209113176-C-T.
Other names: c.331G>A, p.Ala111Thr (NM_001282386.1, NM_001282387.1); short protein forms A111T.
Identifiers: ClinVar variation 3225139 (VCV003225139.1), dbSNP rs769575550, ClinGen allele CA2079050.

ClinVar aggregate classification (germline): Uncertain significance (1 of 4 stars; one submission).

Allele frequency attached by ClinVar (database versions not stated): gnomAD exomes below 0.00001; ExAC 0.00001.
gnomAD v4.1: 2 of 1,614,098 alleles (0.00012%); highest among the groups gnomAD compares: South Asian, 0.0011%; no homozygotes.

Submission:

Ambry Genetics
Classification: Uncertain significance. Last evaluated: 2023-12-23. Review status: criteria provided, single submitter. Criteria: Ambry Variant Classification Scheme 2023. Collection method: clinical testing. Allele origin: germline.
Comment: The p.A111T variant (also known as c.331G>A), located in coding exon 2 of the IDH1 gene, results from a G to A substitution at nucleotide position 331. The alanine at codon 111 is replaced by threonine, an amino acid with similar properties. This amino acid position is conserved. In addition, the in silico prediction for this alteration is inconclusive. Since supporting evidence is limited at this time, the clinical significance of this alteration remains unclear.